The following is an entry in ClinVar:

NM_175875.5(SIX5):c.1934C>G (p.Pro645Arg)

Gene: SIX5 (SIX homeobox 5; minus strand). Cytogenetic location: 19q13.32.
Variant type: single nucleotide variant.
Coding change: c.1934C>G on transcript NM_175875.5 (MANE Select); coding-DNA position 1934, C replaced by G.
Protein change: p.Pro645Arg; replaces proline 645 with arginine.
Molecular consequence: missense variant.
Genome position (GRCh38, 1-based): chr19:45,765,787, G>C on the plus strand (C>G on the coding strand, the complement: SIX5 is on the minus strand). VCF-style: chr19-45765787-G-C. GRCh37 (hg19) VCF-style: chr19-46269045-G-C.
Other names: short protein forms P645R.
Identifiers: ClinVar variation 2558159 (VCV002558159.3), dbSNP rs774814906, ClinGen allele CA9520474.

ClinVar aggregate classification (germline): Uncertain significance. Review status: criteria provided, multiple submitters, no conflicts (2 of 4 stars). 2 submissions from 2 submitters: Uncertain significance (2). Last evaluated 2025-10-27.

Allele frequency attached by ClinVar (database versions not stated): TOPMed below 0.00001; gnomAD 0.00003; ExAC 0.00007; 1000 Genomes Project 30x 0.00016; gnomAD exomes 0.00003.

Submissions (2):

Labcorp Genetics (formerly Invitae), Labcorp
Classification: Uncertain significance. Last evaluated: 2025-10-27. Review status: criteria provided, single submitter. Criteria: Invitae Variant Classification Sherloc (09022015). Collection method: clinical testing. Allele origin: germline.
Comment: This sequence change replaces proline, which is neutral and non-polar, with arginine, which is basic and polar, at codon 645 of the SIX5 protein (p.Pro645Arg). This variant is present in population databases (rs774814906, gnomAD 0.05%). This variant has not been reported in the literature in individuals affected with SIX5-related conditions. ClinVar contains an entry for this variant (Variation ID: 2558159). Invitae Evidence Modeling of protein sequence and biophysical properties (such as structural, functional, and spatial information, amino acid conservation, physicochemical variation, residue mobility, and thermodynamic stability) indicates that this missense variant is not expected to disrupt SIX5 protein function with a negative predictive value of 80%. In summary, the available evidence is currently insufficient to determine the role of this variant in disease. Therefore, it has been classified as a Variant of Uncertain Significance.

Ambry Genetics
Classification: Uncertain significance. Last evaluated: 2023-06-06. Review status: criteria provided, single submitter. Criteria: Ambry Variant Classification Scheme 2023. Collection method: clinical testing. Allele origin: germline.